The following is an entry in ClinVar:

ClinVar aggregate classification (germline): Uncertain significance. Review status: criteria provided, multiple submitters, no conflicts (2 of 4 stars). 2 submissions from 2 submitters: Uncertain significance (2). Last evaluated 2025-06-28.

Conditions:
Inborn genetic diseases. Identifiers: MedGen C0950123, MeSH D030342.
Baller-Gerold syndrome (BGS). Also called: CRANIOSYNOSTOSIS WITH RADIAL DEFECTS. Identifiers: Orphanet 1225, MedGen C0265308, MONDO:0009039, OMIM 218600.

gnomAD v4.1: 4 of 1,609,684 alleles (0.00025%); highest among the groups gnomAD compares: African/African-American, 0.0053%; no homozygotes.

Submissions (2):

Ambry Genetics
Classification: Uncertain significance for Inborn genetic diseases. Last evaluated: 2025-06-28. Review status: criteria provided, single submitter. Criteria: Ambry Variant Classification Scheme 2023. Collection method: clinical testing. Allele origin: germline.
Comment: The p.M748L variant (also known as c.2242A>C), located in coding exon 14 of the RECQL4 gene, results from an A to C substitution at nucleotide position 2242. The methionine at codon 748 is replaced by leucine, an amino acid with highly similar properties. This amino acid position is conserved. In addition, this alteration is predicted to be tolerated by in silico analysis. Based on the available evidence, the clinical significance of this variant remains unclear.

Labcorp Genetics (formerly Invitae), Labcorp
Classification: Uncertain significance for Baller-Gerold syndrome. Last evaluated: 2022-10-03. Review status: criteria provided, single submitter. Criteria: Invitae Variant Classification Sherloc (09022015). Collection method: clinical testing. Allele origin: germline.
Comment: In summary, the available evidence is currently insufficient to determine the role of this variant in disease. Therefore, it has been classified as a Variant of Uncertain Significance. This variant has not been reported in the literature in individuals affected with RECQL4-related conditions. This variant is present in population databases (no rsID available, gnomAD 0.01%). This sequence change replaces methionine, which is neutral and non-polar, with leucine, which is neutral and non-polar, at codon 748 of the RECQL4 protein (p.Met748Leu).

NM_004260.4(RECQL4):c.2242A>C (p.Met748Leu)

Gene: RECQL4 (RecQ like helicase 4; minus strand). Cytogenetic location: 8q24.3.
Variant type: single nucleotide variant.
Coding change: c.2242A>C on transcript NM_004260.4 (MANE Select); coding-DNA position 2242, A replaced by C.
Protein change: p.Met748Leu; replaces methionine 748 with leucine.
Molecular consequence: missense variant.
Genome position (GRCh38, 1-based): chr8:144,513,439, T>G on the plus strand (A>C on the coding strand, the complement: RECQL4 is on the minus strand). VCF-style: chr8-144513439-T-G. GRCh37 (hg19) VCF-style: chr8-145738823-T-G.
Other names: c.2242A>C (NM_004260.3); c.2146A>C, p.Met716Leu (NM_001413017.1, NM_001413020.1); c.2242A>C, p.Met748Leu (NM_001413018.1, NM_001413019.1, NM_001413036.1); c.1171A>C, p.Met391Leu (NM_001413021.1, NM_001413022.1, NM_001413023.1 and 6 more transcripts); c.2113A>C, p.Met705Leu (NM_001413025.1); c.1105A>C, p.Met369Leu (NM_001413027.1, NM_001413030.1, NM_001413032.1 and 1 more transcripts); c.1891A>C, p.Met631Leu (NM_001413029.1); c.973A>C, p.Met325Leu (NM_001413031.1); and 5 more; short protein forms M259L, M738L, M748L, M325L, M369L, M391L, M631L, M704L.
Identifiers: ClinVar variation 2069537 (VCV002069537.5), dbSNP rs370755504, ClinGen allele CA372678500.